The following is an entry in ClinVar:

ClinVar aggregate classification (germline): Uncertain significance (1 of 4 stars; one submission).

Conditions:
Multiple mitochondrial dysfunctions syndrome 3 (MMDS3). Identifiers: Orphanet 363424, MedGen C3809165, MONDO:0014132, OMIM 615330.
Hereditary spastic paraplegia 74. Also called: Spastic paraplegia 74, autosomal recessive. Identifiers: Orphanet 468661, MedGen C5568837, MONDO:0014644, OMIM 616451.

Submission:

Labcorp Genetics (formerly Invitae), Labcorp
Classification: Uncertain significance for Multiple mitochondrial dysfunctions syndrome 3; Hereditary spastic paraplegia 74. Last evaluated: 2025-09-02. Review status: criteria provided, single submitter. Criteria: Invitae Variant Classification Sherloc (09022015). Collection method: clinical testing. Allele origin: germline.
Comment: This sequence change replaces alanine, which is neutral and non-polar, with arginine, which is basic and polar, at codon 141 of the IBA57 protein (p.Ala141Arg). Information on the frequency of this variant in the gnomAD database is not available, as this variant may be reported differently in the database. This variant has not been reported in the literature in individuals affected with IBA57-related conditions. ClinVar contains an entry for this variant (Variation ID: 1483019). An algorithm developed to predict the effect of missense changes on protein structure and function (PolyPhen-2) suggests that this variant is likely to be tolerated. In summary, the available evidence is currently insufficient to determine the role of this variant in disease. Therefore, it has been classified as a Variant of Uncertain Significance.

NM_001010867.4(IBA57):c.421_422delinsAG (p.Ala141Arg)

Gene: IBA57 (iron-sulfur cluster assembly factor IBA57; plus strand). Cytogenetic location: 1q42.13.
Variant type: Indel.
Coding change: c.421_422delinsAG on transcript NM_001010867.4 (MANE Select); coding-DNA positions 421 to 422, GC replaced by AG.
Protein change: p.Ala141Arg; replaces alanine 141 with arginine.
Molecular consequence: missense variant. On other transcripts: 5 prime UTR variant (1).
Genome position (GRCh38, 1-based): chr1:228,174,771-228,174,772, GC replaced by AG. VCF-style: chr1-228174771-GC-AG. GRCh37 (hg19) VCF-style: chr1-228362472-GC-AG.
Other names: c.-159_-158delinsAG (NM_001310327.2); short protein forms A141R.
Identifiers: ClinVar variation 1483019 (VCV001483019.5), dbSNP rs2124976596, ClinGen allele CA2573132770.